The following is an entry in ClinVar:

NM_004371.4(COPA):c.3151C>G (p.Gln1051Glu)

Gene: COPA (coat protein complex I subunit alpha; minus strand). Cytogenetic location: 1q23.2.
Variant type: single nucleotide variant.
Coding change: c.3151C>G on transcript NM_004371.4 (MANE Select); coding-DNA position 3151, C replaced by G.
Protein change: p.Gln1051Glu; replaces glutamine 1051 with glutamic acid.
Molecular consequence: missense variant.
Genome position (GRCh38, 1-based): chr1:160,291,926, G>C on the plus strand (C>G on the coding strand, the complement: COPA is on the minus strand). VCF-style: chr1-160291926-G-C. GRCh37 (hg19) VCF-style: chr1-160261716-G-C.
Other names: p.Gln1051Glu; c.3178C>G (NM_001098398.1); c.3178C>G, p.Gln1060Glu (NM_001098398.2); short protein forms Q1051E, Q1060E.
Identifiers: ClinVar variation 970584 (VCV000970584.14), dbSNP rs369330981, ClinGen allele CA1197681.
Genomic context (GRCh38, chr1:160,291,926, plus strand): 5'-TCCTTTCTGTCTCCACGGACAAACCCACAATGTACTCACGGCAAATGGTGATGAGCTGCT[G>C]GGCCTGTAGAGGGGGCAGAAGGTCAGGATACAGAGACAAGAATGTGGAAGTGCCCAGAAC-3'
Protein context (NP_004362.2, residues 1041-1061): VDNKQEIAEA[Gln1051Glu]QLITICREYI

ClinVar aggregate classification (germline): Conflicting classifications of pathogenicity. Review status: criteria provided, conflicting classifications (1 of 4 stars). 4 submissions from 4 submitters: Uncertain significance (1); Likely benign (3). Last evaluated 2025-11-14.

Conditions:
Inborn genetic diseases. Identifiers: MedGen C0950123, MeSH D030342.
Autoimmune interstitial lung disease-arthritis syndrome. Also called: Autoinflammation and autoimmunity, systemic, with immune dysregulation. Identifiers: Orphanet 444092, MedGen C5975714, MONDO:0014629.

Allele frequency attached by ClinVar (database versions not stated): gnomAD 0.00005 and 0.00007; TOPMed 0.00012; ExAC 0.00016; gnomAD exomes 0.00018 and 0.00019; ESP Exome Variant Server 0.00023.

Submissions (4):

Mayo Clinic Laboratories, Mayo Clinic
Classification: Likely benign. Last evaluated: 2025-11-14. Review status: criteria provided, single submitter. Criteria: ACMG Guidelines, 2015. Collection method: clinical testing. Allele origin: germline. Observed: 1 variant allele.
Comment: BS1, BP4

Ambry Genetics
Classification: Uncertain significance for Inborn genetic diseases. Last evaluated: 2025-11-12. Review status: criteria provided, single submitter. Criteria: Ambry Variant Classification Scheme 2023. Collection method: clinical testing. Allele origin: germline.

Labcorp Genetics (formerly Invitae), Labcorp
Classification: Likely benign for Autoimmune interstitial lung disease-arthritis syndrome. Last evaluated: 2025-10-28. Review status: criteria provided, single submitter. Criteria: Invitae Variant Classification Sherloc (09022015). Collection method: clinical testing. Allele origin: germline.

Blueprint Genetics
Classification: Likely benign. Last evaluated: 2024-08-12. Review status: criteria provided, single submitter. Criteria: ACMG Guidelines, 2015. Collection method: clinical testing. Allele origin: germline.